The following is an entry in ClinVar:

ClinVar aggregate classification (germline): Uncertain significance. Review status: criteria provided, multiple submitters, no conflicts (2 of 4 stars). 4 submissions from 4 submitters: Uncertain significance (4). Last evaluated 2026-09-21.

Conditions:
Cardiovascular phenotype. Identifiers: MedGen CN230736.
Duchenne muscular dystrophy (DMD). Also called: Duchenne Muscular Dystrophy (DMD); MUSCULAR DYSTROPHY, PSEUDOHYPERTROPHIC PROGRESSIVE, DUCHENNE TYPE. Identifiers: Orphanet 98896, MedGen C0013264, MONDO:0010679, OMIM 310200.

Allele frequency attached by ClinVar (database versions not stated): TOPMed below 0.00001; gnomAD exomes 0.00004 and 0.00002.
gnomAD v4.1: 18 of 1,211,572 alleles (0.0015%); highest among the groups gnomAD compares: Non-Finnish European, 0.002%; no homozygotes.

Submissions (4):

Molecular Diagnostic Laboratory for Inherited Cardiovascular Disease, Montreal Heart Institute
Classification: Uncertain significance for Cardiovascular phenotype. Last evaluated: 2026-09-21. Review status: criteria provided, single submitter. Criteria: ACMG Guidelines, 2015. Collection method: clinical testing. Allele origin: germline. Affected: yes.
Comment: PM2, BP1

Revvity Omics, Revvity
Classification: Uncertain significance. Last evaluated: 2024-05-02. Review status: criteria provided, single submitter. Criteria: ACMG Guidelines, 2015. Collection method: clinical testing. Allele origin: germline.

Labcorp Genetics (formerly Invitae), Labcorp
Classification: Uncertain significance for Duchenne muscular dystrophy. Last evaluated: 2021-08-24. Review status: criteria provided, single submitter. Criteria: Invitae Variant Classification Sherloc (09022015). Collection method: clinical testing. Allele origin: germline.
Comment: This sequence change replaces lysine with glutamic acid at codon 2792 of the DMD protein (p.Lys2792Glu). The lysine residue is highly conserved and there is a small physicochemical difference between lysine and glutamic acid. This variant is not present in population databases (ExAC no frequency). This variant has not been reported in the literature in individuals affected with DMD-related conditions. ClinVar contains an entry for this variant (Variation ID: 197991). Algorithms developed to predict the effect of missense changes on protein structure and function (SIFT, PolyPhen-2, Align-GVGD) all suggest that this variant is likely to be disruptive. In summary, the available evidence is currently insufficient to determine the role of this variant in disease. Therefore, it has been classified as a Variant of Uncertain Significance.

Eurofins Ntd Llc (ga)
Classification: Uncertain significance. Last evaluated: 2017-04-12. Review status: criteria provided, single submitter. Criteria: EGL Classification Definitions 2015. Collection method: clinical testing. Allele origin: germline. Observed: 2 variant alleles, 2 heterozygotes.

NM_004006.3(DMD):c.8374A>G (p.Lys2792Glu)

Gene: DMD (dystrophin; minus strand). Cytogenetic location: Xp21.1.
Variant type: single nucleotide variant.
Coding change: c.8374A>G on transcript NM_004006.3 (MANE Select); coding-DNA position 8374, A replaced by G.
Protein change: p.Lys2792Glu; replaces lysine 2792 with glutamic acid.
Molecular consequence: missense variant.
Genome position (GRCh38, 1-based): chrX:31,507,297, T>C on the plus strand (A>G on the coding strand, the complement: DMD is on the minus strand). VCF-style: chrX-31507297-T-C. GRCh37 (hg19) VCF-style: chrX-31525414-T-C.
Other names: c.8350A>G, p.Lys2784Glu (NM_000109.4); c.8362A>G, p.Lys2788Glu (NM_004009.3); c.8005A>G, p.Lys2669Glu (NM_004010.3); c.4351A>G, p.Lys1451Glu (NM_004011.4); c.4342A>G, p.Lys1448Glu (NM_004012.4); c.994A>G, p.Lys332Glu (NM_004013.3, NM_004020.4, NM_004021.3 and 2 more transcripts); c.187A>G, p.Lys63Glu (NM_004014.3); short protein forms K2792E, K2669E, K1448E, K1451E, K2788E, K332E, K63E, K2784E.
Identifiers: ClinVar variation 197991 (VCV000197991.14), dbSNP rs794727766, ClinGen allele CA246431.
Genomic context (GRCh38, chrX:31,507,297, plus strand): 5'-ATTTTAATTCATTTGTGGCCTTTTTGCTCCACATCTTTTCCTACCTAATGTTGAGAGACT[T>C]TTTCCGAAGTTCACTCCACTTGAAGTTCATGTTATCCAAACGTCTTTGTAACAGGACTGC-3'
Protein context (NP_003997.2, residues 2782-2802): MNFKWSELRK[Lys2792Glu]SLNIRSHLEA